The following is an entry in ClinVar:

ClinVar aggregate classification (germline): Benign/Likely benign. Review status: criteria provided, multiple submitters, no conflicts (2 of 4 stars). 3 submissions from 3 submitters: Benign (2); Likely benign (1). Last evaluated 2024-05-01.

Allele frequency attached by ClinVar (database versions not stated): 1000 Genomes Project 30x 0.00265; 1000 Genomes Project 0.00319; ESP Exome Variant Server 0.00469; TOPMed 0.00472; gnomAD exomes 0.00488 and 0.00731; gnomAD 0.00495 and 0.00502; ExAC 0.00498.

Submissions (3):

CeGaT Center for Human Genetics Tuebingen
Classification: Likely benign. Last evaluated: 2024-05-01. Review status: criteria provided, single submitter. Criteria: CeGaT Center For Human Genetics Tuebingen Variant Classification Criteria Version 2. Collection method: clinical testing. Allele origin: germline. Affected: yes. Observed: 1 variant allele.
Comment: CTSZ: BP4, BS2

Labcorp Genetics (formerly Invitae), Labcorp
Classification: Benign. Last evaluated: 2018-07-17. Review status: criteria provided, single submitter. Criteria: Invitae Variant Classification Sherloc (09022015). Collection method: clinical testing. Allele origin: germline.

Breakthrough Genomics
Classification: Benign. Review status: criteria provided, single submitter. Criteria: ACMG Guidelines, 2015. Collection method: not provided. Allele origin: germline. Inheritance: Unknown mechanism. Affected: yes.

NM_001336.4(CTSZ):c.587T>C (p.Leu196Pro)

Gene: CTSZ (cathepsin Z; minus strand). Cytogenetic location: 20q13.32.
Variant type: single nucleotide variant.
Coding change: c.587T>C on transcript NM_001336.4 (MANE Select); coding-DNA position 587, T replaced by C.
Protein change: p.Leu196Pro; replaces leucine 196 with proline.
Molecular consequence: missense variant.
Genome position (GRCh38, 1-based): chr20:58,997,654, A>G on the plus strand (T>C on the coding strand, the complement: CTSZ is on the minus strand). VCF-style: chr20-58997654-A-G. GRCh37 (hg19) VCF-style: chr20-57572709-A-G.
Other names: short protein forms L196P.
Identifiers: ClinVar variation 779289 (VCV000779289.23), dbSNP rs199825459, ClinGen allele CA9928129.